The following is an entry in ClinVar:

ClinVar aggregate classification (germline): Uncertain significance (1 of 4 stars; one submission).

gnomAD v4.1: 3 of 1,613,792 alleles (0.00019%); highest among the groups gnomAD compares: Non-Finnish European, 0.00025%; no homozygotes.

Submission:

GeneDx
Classification: Uncertain significance. Last evaluated: 2026-02-17. Review status: criteria provided, single submitter. Criteria: GeneDx Variant Classification Process June 2021. Collection method: clinical testing. Allele origin: germline.
Comment: Has not been previously published as pathogenic or benign to our knowledge; Not observed in large population cohorts (gnomAD); In silico analysis supports that this missense variant has a deleterious effect on protein structure/function

NM_000404.4(GLB1):c.1519A>C (p.Thr507Pro)

Gene: GLB1 (galactosidase beta 1; minus strand). Cytogenetic location: 3p22.3.
Variant type: single nucleotide variant.
Coding change: c.1519A>C on transcript NM_000404.4 (MANE Select); coding-DNA position 1519, A replaced by C.
Protein change: p.Thr507Pro; replaces threonine 507 with proline.
Molecular consequence: missense variant.
Genome position (GRCh38, 1-based): chr3:33,014,271, T>G on the plus strand (A>C on the coding strand, the complement: GLB1 is on the minus strand). VCF-style: chr3-33014271-T-G. GRCh37 (hg19) VCF-style: chr3-33055763-T-G.
Other names: c.1429A>C, p.Thr477Pro (NM_001079811.3); c.1126A>C, p.Thr376Pro (NM_001135602.3); c.1663A>C, p.Thr555Pro (NM_001317040.2); c.1519A>C, p.Thr507Pro (NM_001393580.1); short protein forms T376P, T477P, T507P, T555P.
Identifiers: ClinVar variation 4888050 (VCV004888050.1).